The following is an entry in ClinVar:

ClinVar aggregate classification (germline): Likely benign. Review status: criteria provided, single submitter (1 of 4 stars). 2 submissions from 2 submitters: Likely benign (1). 1 of the submissions does not count toward it. Last evaluated 2024-01-21.

Conditions:
TRMU-related disorder. Also called: TRMU-related condition.

Allele frequency attached by ClinVar (database versions not stated): gnomAD exomes below 0.00001 and 0.00001; TOPMed below 0.00001.
gnomAD v4.1: 4 of 1,613,190 alleles (0.00025%); highest among the groups gnomAD compares: South Asian, 0.0044%; no homozygotes.

Submissions (2):

Labcorp Genetics (formerly Invitae), Labcorp
Classification: Likely benign. Last evaluated: 2024-01-21. Review status: criteria provided, single submitter. Criteria: Invitae Variant Classification Sherloc (09022015). Collection method: clinical testing. Allele origin: germline.

PreventionGenetics, part of Exact Sciences
Classification: Uncertain significance for TRMU-related condition. Last evaluated: 2023-12-08. Review status: no assertion criteria provided. Collection method: clinical testing. Allele origin: germline. Not counted in ClinVar's aggregate classification.
Comment: The TRMU c.8T>C variant is predicted to result in the amino acid substitution p.Leu3Ser. To our knowledge, this variant has not been reported in the literature. This variant is reported in 0.0065% of alleles in individuals of South Asian descent in gnomAD. At this time, the clinical significance of this variant is uncertain due to the absence of conclusive functional and genetic evidence.

NM_018006.5(TRMU):c.369T>C (p.Ile123=)

Gene: TRMU (tRNA mitochondrial 2-thiouridylase; plus strand). Cytogenetic location: 22q13.31.
Variant type: single nucleotide variant.
Coding change: c.369T>C on transcript NM_018006.5 (MANE Select); coding-DNA position 369, T replaced by C.
Protein change: p.Ile123=; no amino-acid change (isoleucine 123 retained).
Molecular consequence: synonymous variant. On other transcripts: missense variant (2), non-coding transcript variant (2).
Genome position (GRCh38, 1-based): chr22:46,346,435, T>C. VCF-style: chr22-46346435-T-C. GRCh37 (hg19) VCF-style: chr22-46742332-T-C.
Other names: c.27T>C, p.Ile9= (NM_001282782.2); c.8T>C, p.Leu3Ser (NM_001282783.2, NM_001282784.2); c.369T>C, p.Ile123= (NM_001282785.2); c.8T>C (NM_001282784.1); short protein forms L3S.
Identifiers: ClinVar variation 1091151 (VCV001091151.11), dbSNP rs546183296, ClinGen allele CA325169440.